The following is an entry in ClinVar:

NM_017763.6(RNF43):c.158T>G (p.Leu53Trp)

Gene: RNF43 (ring finger protein 43; minus strand). Cytogenetic location: 17q22.
Variant type: single nucleotide variant.
Coding change: c.158T>G on transcript NM_017763.6 (MANE Select); coding-DNA position 158, T replaced by G.
Protein change: p.Leu53Trp; replaces leucine 53 with tryptophan.
Molecular consequence: missense variant. On other transcripts: intron variant (1).
Genome position (GRCh38, 1-based): chr17:58,415,420, A>C on the plus strand (T>G on the coding strand, the complement: RNF43 is on the minus strand). VCF-style: chr17-58415420-A-C. GRCh37 (hg19) VCF-style: chr17-56492781-A-C.
Other names: c.158T>G, p.Leu53Trp (NM_001305544.3, NM_001438820.1, NM_001438821.1 and 1 more transcripts); c.-130+1597T>G (NM_001437987.1); short protein forms L53W.
Identifiers: ClinVar variation 4155768 (VCV004155768.1).

ClinVar aggregate classification (germline): Uncertain significance (1 of 4 stars; one submission).

gnomAD v4.1: 7 of 1,614,084 alleles (0.00043%); highest among the groups gnomAD compares: Non-Finnish European, 0.00059%; no homozygotes.

Submission:

Ambry Genetics
Classification: Uncertain significance. Last evaluated: 2025-08-04. Review status: criteria provided, single submitter. Criteria: Ambry Variant Classification Scheme 2023. Collection method: clinical testing. Allele origin: germline.
Comment: The p.L53W variant (also known as c.158T>G), located in coding exon 1 of the RNF43 gene, results from a T to G substitution at nucleotide position 158. The leucine at codon 53 is replaced by tryptophan, an amino acid with similar properties. This amino acid position is conserved. In addition, the in silico prediction for this alteration is inconclusive. Based on the available evidence, the clinical significance of this variant remains unclear.